The following is an entry in ClinVar:

NM_001429.4(EP300):c.7172C>T (p.Thr2391Met)

Gene: EP300 (EP300 lysine acetyltransferase; plus strand). Cytogenetic location: 22q13.2.
Variant type: single nucleotide variant.
Coding change: c.7172C>T on transcript NM_001429.4 (MANE Select); coding-DNA position 7172, C replaced by T.
Protein change: p.Thr2391Met; replaces threonine 2391 with methionine.
Molecular consequence: missense variant.
Genome position (GRCh38, 1-based): chr22:41,178,883, C>T. VCF-style: chr22-41178883-C-T. GRCh37 (hg19) VCF-style: chr22-41574887-C-T.
Other names: c.7094C>T, p.Thr2365Met (NM_001362843.2); short protein forms T2391M, T2365M.
Identifiers: ClinVar variation 4978416 (VCV004978416.1).

ClinVar aggregate classification (germline): Uncertain significance (1 of 4 stars; one submission).

Conditions:
EP300-related disorder. Also called: EP300-related condition; EP300-related disorders.

gnomAD v4.1: 33 of 1,614,070 alleles (0.002%); highest among the groups gnomAD compares: East Asian, 0.016%; no homozygotes.

Submission:

PreventionGenetics, part of Exact Sciences
Classification: Uncertain significance for EP300-related condition. Last evaluated: 2026-01-28. Review status: criteria provided, single submitter. Criteria: ACMG Guidelines, 2015. Collection method: clinical testing. Allele origin: germline.
Comment: The EP300 c.7172C>T variant is predicted to result in the amino acid substitution p.Thr2391Met. To our knowledge, this variant has not been reported in the literature. This variant is reported in 0.0054% of alleles in individuals of East Asian descent in gnomAD. At this time, the clinical significance of this variant is uncertain due to the absence of conclusive functional and genetic evidence.